The following is an entry in ClinVar:

NM_004423.4(DVL3):c.5G>C (p.Gly2Ala)

Gene: DVL3 (dishevelled segment polarity protein 3; plus strand). Cytogenetic location: 3q27.1.
Variant type: single nucleotide variant.
Coding change: c.5G>C on transcript NM_004423.4 (MANE Select); coding-DNA position 5, G replaced by C.
Protein change: p.Gly2Ala; replaces glycine 2 with alanine.
Molecular consequence: missense variant.
Genome position (GRCh38, 1-based): chr3:184,155,640, G>C. VCF-style: chr3-184155640-G-C. GRCh37 (hg19) VCF-style: chr3-183873428-G-C.
Other names: short protein forms G2A.
Identifiers: ClinVar variation 2919735 (VCV002919735.4), dbSNP rs551969529, ClinGen allele CA2726950.
Genomic context (GRCh38, chr3:184,155,640, plus strand): 5'-TCGGCCCGGCCGCCCGAGCAGGCCGCGCGCGGGCCGCCGGGCCCGAGGCCAGAGCCATGG[G>C]CGAGACCAAGATCATCTACCACTTGGATGGGCAGGAGACGCCGTACCTTGTGAAGCTGCC-3'
Protein context (NP_004414.3, residues 1-12): M[Gly2Ala]ETKIIYHLDG

ClinVar aggregate classification (germline): Conflicting classifications of pathogenicity. Review status: criteria provided, conflicting classifications (1 of 4 stars). 2 submissions from 2 submitters: Uncertain significance (1); Likely benign (1). Last evaluated 2024-08-12.

Allele frequency attached by ClinVar (database versions not stated): gnomAD exomes 0.00001; ExAC 0.00002; TOPMed 0.00002; gnomAD 0.00003.

Submissions (2):

Labcorp Genetics (formerly Invitae), Labcorp
Classification: Uncertain significance. Last evaluated: 2024-08-12. Review status: criteria provided, single submitter. Criteria: Invitae Variant Classification Sherloc (09022015). Collection method: clinical testing. Allele origin: germline.
Comment: This sequence change replaces glycine, which is neutral and non-polar, with alanine, which is neutral and non-polar, at codon 2 of the DVL3 protein (p.Gly2Ala). This variant is present in population databases (rs551969529, gnomAD 0.003%). This variant has not been reported in the literature in individuals affected with DVL3-related conditions. An algorithm developed to predict the effect of missense changes on protein structure and function (PolyPhen-2) suggests that this variant is likely to be tolerated. In summary, the available evidence is currently insufficient to determine the role of this variant in disease. Therefore, it has been classified as a Variant of Uncertain Significance.

Blueprint Genetics
Classification: Likely benign. Last evaluated: 2023-12-15. Review status: criteria provided, single submitter. Criteria: ACMG Guidelines, 2015. Collection method: clinical testing. Allele origin: germline.